The following is an entry in ClinVar:

NM_022455.5(NSD1):c.6208T>G (p.Cys2070Gly)

Gene: NSD1 (nuclear receptor binding SET domain protein 1; plus strand). Cytogenetic location: 5q35.3.
Variant type: single nucleotide variant.
Coding change: c.6208T>G on transcript NM_022455.5 (MANE Select); coding-DNA position 6208, T replaced by G.
Protein change: p.Cys2070Gly; replaces cysteine 2070 with glycine.
Molecular consequence: missense variant.
Genome position (GRCh38, 1-based): chr5:177,288,875, T>G. VCF-style: chr5-177288875-T-G. GRCh37 (hg19) VCF-style: chr5-176715876-T-G.
Other names: c.5788T>G, p.Cys1930Gly (NM_001409304.1); c.5455T>G, p.Cys1819Gly (NM_001409305.1); c.5446T>G, p.Cys1816Gly (NM_001409306.1, NM_001409307.1); c.5335T>G, p.Cys1779Gly (NM_001409308.1, NM_172349.5, NM_001365684.2); c.6208T>G, p.Cys2070Gly (NM_001409301.1, NM_001409302.1, NM_001409303.1); short protein forms C1801G, C2070G, C1779G, C1930G, C1819G, C1816G.
Identifiers: ClinVar variation 950795 (VCV000950795.11), dbSNP rs1759551453, ClinGen allele CA362318114.
Genomic context (GRCh38, chr5:177,288,875, plus strand): 5'-GCAGGCACTGAACTTACCTTCAACTACAACCTAGAATGTCTTGGGAATGGAAAGACTGTT[T>G]GCAAATGTGGAGCCCCGAACTGCAGTGGCTTCTTGGGTGTAAGGCCAAAGGTACCACCCT-3'
Protein context (NP_071900.2, residues 2060-2080): LECLGNGKTV[Cys2070Gly]KCGAPNCSGF

ClinVar aggregate classification (germline): Conflicting classifications of pathogenicity. Review status: criteria provided, conflicting classifications (1 of 4 stars). 2 submissions from 2 submitters: Likely pathogenic (1); Uncertain significance (1). Last evaluated 2024-10-11.

Conditions:
Sotos syndrome (SOTOS). Also called: Sotos' syndrome; CHROMOSOME 5q35 DELETION SYNDROME; SOTOS SYNDROME 1; Distinctive facial appearance, overgrowth in childhood, and learning disabilities or delayed development; CEREBRAL GIGANTISM. Identifiers: Orphanet 821, MedGen C0175695, MONDO:0019349, OMIM 117550.

Submissions (2):

3billion
Classification: Uncertain significance for Sotos syndrome. Last evaluated: 2024-10-11. Review status: criteria provided, single submitter. Criteria: ACMG Guidelines, 2015. Collection method: clinical testing. Allele origin: germline. Affected: yes.
Comment: The variant is not observed in the gnomAD v4.1.0 dataset. Predicted Consequence/Location: Missense variant In silico tool predictions suggest damaging effect of the variant on gene or gene product [REVEL: 0.94 (>=0.6, sensitivity 0.68 and specificity 0.92); 3Cnet: 0.97 (>=0.6, sensitivity 0.72 and precision 0.9)]. The same nucleotide change resulting in the same amino acid change has been previously reported to be associated with NSD1 related disorder (ClinVar ID: VCV000950795). A different missense change at the same codon (p.Cys2070Arg) has been reported to be associated with NSD1 related disorder (ClinVar ID: VCV001698888). However the evidence of pathogenicity is insufficient at this time. Therefore, this variant is classified as VUS according to the recommendation of ACMG/AMP guideline.

Labcorp Genetics (formerly Invitae), Labcorp
Classification: Likely pathogenic. Last evaluated: 2019-06-19. Review status: criteria provided, single submitter. Criteria: Invitae Variant Classification Sherloc (09022015). Collection method: clinical testing. Allele origin: germline.
Comment: In summary, the currently available evidence indicates that the variant is pathogenic, but additional data are needed to prove that conclusively. Therefore, this variant has been classified as Likely Pathogenic. Algorithms developed to predict the effect of missense changes on protein structure and function (SIFT, PolyPhen-2, Align-GVGD) all suggest that this variant is likely to be disruptive, but these predictions have not been confirmed by published functional studies and their clinical significance is uncertain. This variant is not present in population databases (ExAC no frequency). This sequence change replaces cysteine with glycine at codon 2070 of the NSD1 protein (p.Cys2070Gly). The cysteine residue is highly conserved and there is a large physicochemical difference between cysteine and glycine.